The following is an entry in ClinVar:

NM_006486.3(FBLN1):c.922+6A>C

Gene: FBLN1 (fibulin 1; plus strand). Cytogenetic location: 22q13.31.
Variant type: single nucleotide variant.
Coding change: c.922+6A>C on transcript NM_006486.3 (MANE Select); 6 bases into the intron after coding-DNA position 922, A replaced by C.
Molecular consequence: intron variant.
Genome position (GRCh38, 1-based): chr22:45,535,343, A>C. VCF-style: chr22-45535343-A-C. GRCh37 (hg19) VCF-style: chr22-45931223-A-C.
Other names: c.922+6A>C (NM_006485.4, NM_001996.4, NM_006487.3).
Identifiers: ClinVar variation 708018 (VCV000708018.11), dbSNP rs111292144, ClinGen allele CA10286738.

ClinVar aggregate classification (germline): Benign. Review status: criteria provided, single submitter (1 of 4 stars). 2 submissions from 2 submitters: Benign (1). 1 of the submissions does not count toward it. Last evaluated 2025-06-12.

Conditions:
FBLN1-related disorder. Also called: FBLN1-related condition.

Allele frequency attached by ClinVar (database versions not stated): gnomAD exomes 0.00032 and 0.00085; ExAC 0.00096; 1000 Genomes Project 30x 0.00250; 1000 Genomes Project 0.00260; gnomAD 0.00350 and 0.00376; TOPMed 0.00383; ESP Exome Variant Server 0.00408.

Submissions (2):

Labcorp Genetics (formerly Invitae), Labcorp
Classification: Benign. Last evaluated: 2025-06-12. Review status: criteria provided, single submitter. Criteria: Invitae Variant Classification Sherloc (09022015). Collection method: clinical testing. Allele origin: germline.

PreventionGenetics, part of Exact Sciences
Classification: Benign for FBLN1-related condition. Last evaluated: 2019-09-16. Review status: no assertion criteria provided. Collection method: clinical testing. Allele origin: germline. Not counted in ClinVar's aggregate classification.
Comment: This variant is classified as benign based on ACMG/AMP sequence variant interpretation guidelines (Richards et al. 2015 PMID: 25741868, with internal and published modifications).